The following is an entry in ClinVar:

NM_001282531.3(ADNP):c.321del (p.Asn108fs)

Gene: ADNP (activity dependent neuroprotector homeobox; minus strand). Cytogenetic location: 20q13.13.
Variant type: Deletion.
Coding change: c.321del on transcript NM_001282531.3 (MANE Select); coding-DNA position 321, one base deleted (T; older notation c.321delT).
Protein change: p.Asn108fs; shifts the reading frame from asparagine 108.
Molecular consequence: frameshift variant.
Genome position (GRCh38, 1-based): chr20:50,894,393, A deleted on the plus strand (T on the coding strand, the reverse complement: ADNP is on the minus strand); the first of 2 consecutive A bases (chr20:50,894,393-50,894,394); deleting either gives the same sequence. VCF-style (leftmost placement, unchanged base first): chr20-50894392-TA-T. GRCh37 (hg19) VCF-style: chr20-49510929-TA-T.
Other names: c.321del, p.Asn108fs (NM_001282532.2, NM_001347511.2, NM_015339.5 and 1 more transcripts); short protein forms N108fs.
Identifiers: ClinVar variation 1333276 (VCV001333276.1), dbSNP rs2122764752, ClinGen allele CA2573054884.

ClinVar aggregate classification (germline): Likely pathogenic (1 of 4 stars; one submission).

Conditions:
ADNP-related multiple congenital anomalies - intellectual disability - autism spectrum disorder. Also called: Helsmoortel-Van der Aa Syndrome; ADNP-Related Helsmoortel-Van der Aa Syndrome. Identifiers: Orphanet 404448, MedGen C4014538, MONDO:0014379, OMIM 615873. Disease mechanism: loss of function.

Submission:

3billion
Classification: Likely pathogenic for ADNP-related multiple congenital anomalies - intellectual disability - autism spectrum disorder. Last evaluated: 2022-01-03. Review status: criteria provided, single submitter. Criteria: ACMG Guidelines, 2015. Collection method: clinical testing. Allele origin: germline. Affected: yes. Observed: 1 heterozygote.
Comment: Frameshift: predicted to result in a loss or disruption of normal protein function through protein truncation. The predicted truncated protein may be shortened by more than 10% (PVS1_S). It is not observed in the gnomAD v2.1.1 dataset (PM2_M). Therefore, this variant is classified as likely pathogenic according to the recommendation of ACMG/AMP guideline.